The following is an entry in ClinVar:

ClinVar aggregate classification (germline): Pathogenic (1 of 4 stars; one submission).

Conditions:
Hereditary breast ovarian cancer syndrome. Also called: BRCA1- and BRCA2-Associated Hereditary Breast and Ovarian Cancer; Breast and ovarian cancer; Hereditary breast and ovarian cancer syndrome; Hereditary breast and ovarian cancer syndrome (HBOC); Hereditary breast and/or ovarian cancer syndrome; Hereditary breast and ovarian cancer. Identifiers: Orphanet 145, MedGen C0677776, MeSH D061325, MONDO:0003582. Disease mechanism: loss of function.

Submission:

Labcorp Genetics (formerly Invitae), Labcorp
Classification: Pathogenic for Hereditary breast ovarian cancer syndrome. Last evaluated: 2025-03-23. Review status: criteria provided, single submitter. Criteria: Invitae Variant Classification Sherloc (09022015). Collection method: clinical testing. Allele origin: germline.
Comment: This sequence change creates a premature translational stop signal (p.Leu700Argfs*3) in the BRCA2 gene. It is expected to result in an absent or disrupted protein product. Loss-of-function variants in BRCA2 are known to be pathogenic (PMID: 20104584). This variant is not present in population databases (gnomAD no frequency). This variant has not been reported in the literature in individuals affected with BRCA2-related conditions. For these reasons, this variant has been classified as Pathogenic.

Literature cited by the submitters: PubMed 20104584.

NM_000059.4(BRCA2):c.2098_2111del (p.Leu700fs)

Gene: BRCA2 (BRCA2 DNA repair associated; plus strand). Cytogenetic location: 13q13.1.
Variant type: Deletion.
Coding change: c.2098_2111del on transcript NM_000059.4 (MANE Select); coding-DNA positions 2098 to 2111, 14 bases deleted (TTATTTATTACCCC).
Protein change: p.Leu700fs; shifts the reading frame from leucine 700.
Molecular consequence: frameshift variant. On other transcripts: non-coding transcript variant (1), intron variant (2).
Genome position (GRCh38, 1-based): chr13:32,336,453-32,336,466, TTATTTATTACCCC deleted. VCF-style (leftmost placement, unchanged base first): chr13-32336452-GTTATTTATTACCCC-G. GRCh37 (hg19) VCF-style: chr13-32910589-GTTATTTATTACCCC-G.
Other names: c.2098_2111del, p.Leu700fs (NM_001406719.1, NM_001406720.1, NM_001432077.1); c.1909+3066_1909+3079del (NM_001406721.1); c.424+5423_424+5436del (NM_001406722.1); short protein forms L700fs.
Identifiers: ClinVar variation 4715709 (VCV004715709.1).